The following is an entry in ClinVar:

NM_004252.5(NHERF1):c.952G>A (p.Asp318Asn)

Gene: NHERF1 (NHERF family PDZ scaffold protein 1; plus strand). Cytogenetic location: 17q25.1.
Variant type: single nucleotide variant.
Coding change: c.952G>A on transcript NM_004252.5 (MANE Select); coding-DNA position 952, G replaced by A.
Protein change: p.Asp318Asn; replaces aspartic acid 318 with asparagine.
Molecular consequence: missense variant.
Genome position (GRCh38, 1-based): chr17:74,768,531, G>A. VCF-style: chr17-74768531-G-A. GRCh37 (hg19) VCF-style: chr17-72764670-G-A.
Other names: short protein forms D318N.
Identifiers: ClinVar variation 3718748 (VCV003718748.2).

ClinVar aggregate classification (germline): Uncertain significance (1 of 4 stars; one submission).

gnomAD v4.1: 51 of 1,613,584 alleles (0.0032%); highest among the groups gnomAD compares: Non-Finnish European, 0.0042%; no homozygotes.

Submission:

Labcorp Genetics (formerly Invitae), Labcorp
Classification: Uncertain significance. Last evaluated: 2024-07-24. Review status: criteria provided, single submitter. Criteria: Invitae Variant Classification Sherloc (09022015). Collection method: clinical testing. Allele origin: germline.
Comment: This sequence change replaces aspartic acid, which is acidic and polar, with asparagine, which is neutral and polar, at codon 318 of the SLC9A3R1 protein (p.Asp318Asn). This variant is present in population databases (rs750773487, gnomAD 0.003%). This variant has not been reported in the literature in individuals affected with SLC9A3R1-related conditions. An algorithm developed to predict the effect of missense changes on protein structure and function (PolyPhen-2) suggests that this variant is likely to be tolerated. In summary, the available evidence is currently insufficient to determine the role of this variant in disease. Therefore, it has been classified as a Variant of Uncertain Significance.